The following is an entry in ClinVar:

NM_002739.5(PRKCG):c.1818T>A (p.Pro606=)

Gene: PRKCG (protein kinase C gamma; plus strand). Cytogenetic location: 19q13.42.
Variant type: single nucleotide variant.
Coding change: c.1818T>A on transcript NM_002739.5 (MANE Select); coding-DNA position 1818, T replaced by A.
Protein change: p.Pro606=; no amino-acid change (proline 606 retained).
Molecular consequence: synonymous variant.
Genome position (GRCh38, 1-based): chr19:53,906,370, T>A. VCF-style: chr19-53906370-T-A. GRCh37 (hg19) VCF-style: chr19-54409624-T-A.
Other names: c.1818T>A, p.Pro606= (NM_001316329.2).
Identifiers: ClinVar variation 3034643 (VCV003034643.2), dbSNP rs1225902653, ClinGen allele CA508797872.
Genomic context (GRCh38, chr19:53,906,370, plus strand): 5'-CCCACAGTTCCTGACCAAGCACCCAGGGAAGCGCCTGGGCTCAGGGCCTGATGGGGAACC[T>A]ACCATCCGTGCACATGGCTTTTTCCGCTGGATTGACTGGGAGCGGCTGGAACGATTGGAG-3'
Protein context (NP_002730.1, residues 596-616): KRLGSGPDGE[Pro606=]TIRAHGFFRW

ClinVar aggregate classification (germline): Likely benign (0 of 4 stars; one submission).

Conditions:
PRKCG-related disorder. Also called: PRKCG-related condition.

Allele frequency attached by ClinVar (database versions not stated): TOPMed below 0.00001; gnomAD 0.00001; gnomAD exomes 0.00001.
gnomAD v4.1: 11 of 1,555,878 alleles (0.00071%); highest among the groups gnomAD compares: Non-Finnish European, 0.00096%; no homozygotes.

Submission:

PreventionGenetics, part of Exact Sciences
Classification: Likely benign for PRKCG-related condition. Last evaluated: 2019-10-14. Review status: no assertion criteria provided. Collection method: clinical testing. Allele origin: germline.
Comment: This variant is classified as likely benign based on ACMG/AMP sequence variant interpretation guidelines (Richards et al. 2015 PMID: 25741868, with internal and published modifications).